The following is an entry in ClinVar:

ClinVar aggregate classification (germline): Uncertain significance. Review status: criteria provided, multiple submitters, no conflicts (2 of 4 stars). 2 submissions from 2 submitters: Uncertain significance (2). Last evaluated 2025-02-08.

Allele frequency attached by ClinVar (database versions not stated): gnomAD exomes below 0.00001; ExAC 0.00002; gnomAD 0.00002; TOPMed 0.00003; ESP Exome Variant Server 0.00008.
gnomAD v4.1: 10 of 1,613,296 alleles (0.00062%); highest among the groups gnomAD compares: African/African-American, 0.0053%; no homozygotes.

Submissions (2):

GeneDx
Classification: Uncertain significance. Last evaluated: 2025-02-08. Review status: criteria provided, single submitter. Criteria: GeneDx Variant Classification Process June 2021. Collection method: clinical testing. Allele origin: germline. Affected: yes.
Comment: In silico analysis supports that this missense variant has a deleterious effect on protein structure/function; Has not been previously published as pathogenic or benign to our knowledge

Labcorp Genetics (formerly Invitae), Labcorp
Classification: Uncertain significance. Last evaluated: 2023-10-05. Review status: criteria provided, single submitter. Criteria: Invitae Variant Classification Sherloc (09022015). Collection method: clinical testing. Allele origin: germline.
Comment: This sequence change replaces glycine, which is neutral and non-polar, with arginine, which is basic and polar, at codon 34 of the HNF1A protein (p.Gly34Arg). This variant is present in population databases (rs139742280, gnomAD 0.008%). This variant has not been reported in the literature in individuals affected with HNF1A-related conditions. Advanced modeling of protein sequence and biophysical properties (such as structural, functional, and spatial information, amino acid conservation, physicochemical variation, residue mobility, and thermodynamic stability) performed at Invitae indicates that this missense variant is not expected to disrupt HNF1A protein function. In summary, the available evidence is currently insufficient to determine the role of this variant in disease. Therefore, it has been classified as a Variant of Uncertain Significance.

NM_000545.8(HNF1A):c.100G>A (p.Gly34Arg)

Gene: HNF1A (HNF1 homeobox A; plus strand). Cytogenetic location: 12q24.31.
Variant type: single nucleotide variant.
Coding change: c.100G>A on transcript NM_000545.8 (MANE Select); coding-DNA position 100, G replaced by A.
Protein change: p.Gly34Arg; replaces glycine 34 with arginine.
Molecular consequence: missense variant.
Genome position (GRCh38, 1-based): chr12:120,978,868, G>A. VCF-style: chr12-120978868-G-A. GRCh37 (hg19) VCF-style: chr12-121416671-G-A.
Other names: c.100G>A, p.Gly34Arg (NM_001306179.2, NM_001406915.1); short protein forms G34R.
Identifiers: ClinVar variation 2962660 (VCV002962660.4), dbSNP rs139742280, ClinGen allele CA6831663.